The following is an entry in ClinVar:

NM_032578.4(MYPN):c.1700C>T (p.Pro567Leu)

Gene: MYPN (myopalladin; plus strand). Cytogenetic location: 10q21.3.
Variant type: single nucleotide variant.
Coding change: c.1700C>T on transcript NM_032578.4 (MANE Select); coding-DNA position 1700, C replaced by T.
Protein change: p.Pro567Leu; replaces proline 567 with leucine.
Molecular consequence: missense variant. On other transcripts: non-coding transcript variant (2).
Genome position (GRCh38, 1-based): chr10:68,166,393, C>T. VCF-style: chr10-68166393-C-T. GRCh37 (hg19) VCF-style: chr10-69926150-C-T.
Other names: c.1700C>T, p.Pro567Leu (NM_001256267.2); c.818C>T, p.Pro273Leu (NM_001256268.2); short protein forms P273L, P567L.
Identifiers: ClinVar variation 1306033 (VCV001306033.2), dbSNP rs749347548, ClinGen allele CA376839812.
Genomic context (GRCh38, chr10:68,166,393, plus strand): 5'-CCAACTCTACCACCAACCTGGCAGCTATTGAGCCACAGCCCTCCCCACCCCACTCAGAGC[C>T]TCCATCTGTGGAACAACCCCCCAAACCCAAACTCGAGGGGGTTCTGGTGAACCACAATGA-3'
Protein context (NP_115967.2, residues 557-577): EPQPSPPHSE[Pro567Leu]PSVEQPPKPK

ClinVar aggregate classification (germline): Uncertain significance (1 of 4 stars; one submission).

Submission:

GeneDx
Classification: Uncertain significance. Last evaluated: 2019-05-17. Review status: criteria provided, single submitter. Criteria: GeneDx Variant Classification Process June 2021. Collection method: clinical testing. Allele origin: germline. Affected: yes.
Comment: Has not been previously published as pathogenic or benign to our knowledge; Not observed in large population cohorts (Lek et al., 2016); In silico analysis, which includes protein predictors and evolutionary conservation, supports that this variant does not alter protein structure/function